The following is an entry in ClinVar:

ClinVar aggregate classification (germline): Likely benign (0 of 4 stars; one submission).

Conditions:
NRP2-related disorder. Also called: NRP2-related condition.

gnomAD v4.1: 80 of 1,614,100 alleles (0.005%); highest among the groups gnomAD compares: Non-Finnish European, 0.0064%; no homozygotes.

Submission:

PreventionGenetics, part of Exact Sciences
Classification: Likely benign for NRP2-related condition. Last evaluated: 2024-03-15. Review status: no assertion criteria provided. Collection method: clinical testing. Allele origin: germline.
Comment: This variant is classified as likely benign based on ACMG/AMP sequence variant interpretation guidelines (Richards et al. 2015 PMID: 25741868, with internal and published modifications).

NM_003872.3(NRP2):c.1935T>C (p.Asn645=)

Genes: NRP2 (neuropilin 2; plus strand), LOC126806481 (CDK7 strongly-dependent group 2 enhancer GRCh37_chr2:206617009-206618208; plus strand). Cytogenetic location: 2q33.3.
Variant type: single nucleotide variant.
Coding change: c.1935T>C on transcript NM_003872.3 (MANE Select); coding-DNA position 1935, T replaced by C.
Protein change: p.Asn645=; no amino-acid change (asparagine 645 retained).
Molecular consequence: synonymous variant.
Genome position (GRCh38, 1-based): chr2:205,752,866, T>C. VCF-style: chr2-205752866-T-C. GRCh37 (hg19) VCF-style: chr2-206617590-T-C.
Other names: c.1935T>C, p.Asn645= (NM_018534.4, NM_201266.2, NM_201267.2 and 1 more transcripts).
Identifiers: ClinVar variation 3358100 (VCV003358100.1).
Genomic context (GRCh38, chr2:205,752,866, plus strand): 5'-TCCTTTGGGTTATTGTTTTCCCCTTTTAGACAAAGATTTGCAGCTCCCTTCGGGATTCAA[T>C]TGCAACTTCGATTTCCTCGAGGAGCCCTGTGGTTGGATGTATGACCATGCCAAGTGGCTC-3'
Protein context (NP_003863.2, residues 635-655): DKDLQLPSGF[Asn645=]CNFDFLEEPC